The following is an entry in ClinVar:

ClinVar aggregate classification (germline): Uncertain significance. Review status: criteria provided, multiple submitters, no conflicts (2 of 4 stars). 3 submissions from 3 submitters: Uncertain significance (3). Last evaluated 2025-12-22.

Conditions:
Inborn genetic diseases. Identifiers: MedGen C0950123, MeSH D030342.
Donnai-Barrow syndrome. Also called: DBS/FOAR SYNDROME; FACIOOCULOACOUSTICORENAL SYNDROME. Identifiers: Orphanet 2143, MedGen C1857277, MONDO:0009104, OMIM 222448.

Allele frequency attached by ClinVar (database versions not stated): ExAC 0.00001; gnomAD exomes 0.00002; gnomAD 0.00005; TOPMed 0.00005; ESP Exome Variant Server 0.00008.
gnomAD v4.1: 39 of 1,614,044 alleles (0.0024%); highest among the groups gnomAD compares: Admixed American, 0.0033%; no homozygotes.

Submissions (3):

Ambry Genetics
Classification: Uncertain significance for Inborn genetic diseases. Last evaluated: 2025-12-22. Review status: criteria provided, single submitter. Criteria: Ambry Variant Classification Scheme 2023. Collection method: clinical testing. Allele origin: germline.

Fulgent Genetics
Classification: Uncertain significance for Donnai-Barrow syndrome. Last evaluated: 2022-05-23. Review status: criteria provided, single submitter. Criteria: ACMG Guidelines, 2015. Collection method: clinical testing. Allele origin: unknown.

Labcorp Genetics (formerly Invitae), Labcorp
Classification: Uncertain significance. Last evaluated: 2022-03-26. Review status: criteria provided, single submitter. Criteria: Invitae Variant Classification Sherloc (09022015). Collection method: clinical testing. Allele origin: germline.
Comment: This sequence change replaces arginine, which is basic and polar, with tryptophan, which is neutral and slightly polar, at codon 3641 of the LRP2 protein (p.Arg3641Trp). This variant is present in population databases (rs373064113, gnomAD 0.005%). This variant has not been reported in the literature in individuals affected with LRP2-related conditions. Algorithms developed to predict the effect of missense changes on protein structure and function are either unavailable or do not agree on the potential impact of this missense change (SIFT: "Deleterious"; PolyPhen-2: "Possibly Damaging"; Align-GVGD: "Class C0"). In summary, the available evidence is currently insufficient to determine the role of this variant in disease. Therefore, it has been classified as a Variant of Uncertain Significance.

NM_004525.3(LRP2):c.10921C>T (p.Arg3641Trp)

Gene: LRP2 (LDL receptor related protein 2; minus strand). Cytogenetic location: 2q31.1.
Variant type: single nucleotide variant.
Coding change: c.10921C>T on transcript NM_004525.3 (MANE Select); coding-DNA position 10921, C replaced by T.
Protein change: p.Arg3641Trp; replaces arginine 3641 with tryptophan.
Molecular consequence: missense variant.
Genome position (GRCh38, 1-based): chr2:169,174,012, G>A on the plus strand (C>T on the coding strand, the complement: LRP2 is on the minus strand). VCF-style: chr2-169174012-G-A. GRCh37 (hg19) VCF-style: chr2-170030522-G-A.
Other names: c.10921C>T (NM_004525.2); short protein forms R3641W.
Identifiers: ClinVar variation 1409795 (VCV001409795.8), dbSNP rs373064113, ClinGen allele CA1953216.